The following is an entry in ClinVar:

ClinVar aggregate classification (germline): Uncertain significance. Review status: reviewed by expert panel (3 of 4 stars). 4 submissions from 4 submitters: Uncertain significance (1). 3 of the submissions do not count toward it. Last evaluated 2025-12-19.

Conditions:
Immunodeficiency 14 (IMD14A). Also called: p110-DELTA-ACTIVATING MUTATION CAUSING SENESCENT T CELLS, LYMPHADENOPATHY, AND IMMUNODEFICIENCY; ACTIVATED PI3K-DELTA SYNDROME 1; Activated PI3K Delta Syndrome Type 1 (APDS1); IMMUNODEFICIENCY 14A WITH LYMPHOPROLIFERATION, AUTOSOMAL DOMINANT. Identifiers: Orphanet 397596, Orphanet 693661, MedGen C5907821, MONDO:0014222, OMIM 615513.

Allele frequency attached by ClinVar (database versions not stated): gnomAD exomes 0.00001; ExAC 0.00006; ESP Exome Variant Server 0.00008; gnomAD 0.00010; TOPMed 0.00014.
gnomAD v4.1: 38 of 1,611,508 alleles (0.0024%); highest among the groups gnomAD compares: African/African-American, 0.037%; no homozygotes.

Submissions (4):

ClinGen Primary Immune Regulatory Disorders Variant Curation Expert Panel, ClinGen
Classification: Uncertain significance for Immunodeficiency 14. Last evaluated: 2025-12-19. Review status: reviewed by expert panel. Criteria: ClinGen AbDef ACMG Specifications PIK3CD V1.0.0. Collection method: curation. Allele origin: germline. Inheritance: Autosomal dominant inheritance.
Comment: NM_005026.5(PIK3CD):c.454G>A (p.Ala152Thr) is a missense variant that causes substitution of alanine by threonine at amino acid 152. Another missense variant in the same codon, NM_005026.5(PIK3CD):c.455C>T (p.Ala152Val), has been classified as likely benign by the ClinGen Antibody Deficiencies VCEP specifications, so the PM5_Supporting code is not met. This variant is present in gnomAD v4.1.0 at a total combined allele frequency of 0.00002358, with 38 alleles / 1,611,508 total alleles across all populations of gnomAD, which is higher than the ClinGen Antibody Deficiencies VCEP PM2_Supporting threshold of <0.00000132. The variant is present in gnomAD v.4.1.0 at a GrpMax allele frequency of 0.0002653, with 28 alleles / 74,924 total alleles in the African / African American population, which is lower than the BS1 threshold of >0.000316, so no population code can be applied. At least one patient harboring this variant exhibited a phenotype including a history of recurrent respiratory infections (4 pts), episodic colitis and mild gastric atrophy (1 pt), mild colic eosinophilic inflammation (0.5 pts), decreased IgA levels, alopecia areata and eczematous lesions (1 pt), hypertrophy of the lingual tonsil (4 pts), mild lymphopenia with B-cell defect (1 pt), and immunophenotyping showing an increase of senescent (CD57 + CD45RA+) CD8 T cells (1 pt), with elevated phospho-S6 levels detected in the patient's B cells and genotyping by next-generation sequencing-based panel for primary immunodeficiency identifying no alternative basis for disease in the PIK3R1 gene (11.5 total points, PMID: 33809703, PP4_Moderate). The computational predictor REVEL gives a score of 0.052, which is below the ClinGen Antibody Deficiencies VCEP threshold of <0.290 and predicts a non-damaging effect on PIK3CD function. The computational predictor CADD gives a PHRED score of 15.46, which is below the ClinGen Antibody Deficiencies VCEP threshold of <22.7 and predicts a non-deleterious effect on PIK3CD function. The two predictors agree on a non-damaging effect (BP4). In summary, this variant meets the criteria to be classified as a variant of uncertain significance for autosomal dominant immunodeficiency 14 based on the ACMG/AMP criteria applied, as specified by the ClinGen Antibody Deficiencies VCEP: PP4_Moderate and BP4. (VCEP specifications version 1.0.0).

Labcorp Genetics (formerly Invitae), Labcorp
Classification: Uncertain significance for Activated PI3K-delta syndrome. Last evaluated: 2026-01-18. Review status: criteria provided, single submitter. Criteria: Invitae Variant Classification Sherloc (09022015). Collection method: clinical testing. Allele origin: germline. Not counted in ClinVar's aggregate classification.
Comment: This sequence change replaces alanine, which is neutral and non-polar, with threonine, which is neutral and polar, at codon 152 of the PIK3CD protein (p.Ala152Thr). This variant is present in population databases (rs138463758, gnomAD 0.04%). This variant has not been reported in the literature in individuals affected with PIK3CD-related conditions. ClinVar contains an entry for this variant (Variation ID: 2414651). Invitae Evidence Modeling of protein sequence and biophysical properties (such as structural, functional, and spatial information, amino acid conservation, physicochemical variation, residue mobility, and thermodynamic stability) indicates that this missense variant is not expected to disrupt PIK3CD protein function with a negative predictive value of 80%. In summary, the available evidence is currently insufficient to determine the role of this variant in disease. Therefore, it has been classified as a Variant of Uncertain Significance.

Clinical Genomics Laboratory, Washington University in St. Louis
Classification: Uncertain significance for Immunodeficiency 14. Last evaluated: 2025-06-26. Review status: criteria provided, single submitter. Criteria: ACMG Guidelines, 2015. Collection method: clinical testing. Allele origin: germline. Not counted in ClinVar's aggregate classification.
Comment: A PIK3CD c.454G>A (p.Ala152Thr) variant was identified at a near heterozygous allelic fraction of 48.3%, a frequency that may be consistent with germline origin. This variant has been reported in one individual with immunodeficiency (Rispoli F et al., PMID: 33809703). It is observed in 38/1,611,508 alleles in the general population (gnomAD v4.1.0). This variant has been reported in the ClinVar database as a variant of uncertain significance by two submitters (ClinVar ID: 2414651). Computational predictors suggest that the variant does not impact PIK3CD function. Due to limited information, and based on ACMG/AMP guidelines for variant interpretation (Richards S et al., PMID: 25741868), the clinical significance of this variant is uncertain at this time.

Genetic Services Laboratory, University of Chicago
Classification: Uncertain significance. Last evaluated: 2022-11-13. Review status: no assertion criteria provided. Collection method: clinical testing. Allele origin: germline. Affected: no. Not counted in ClinVar's aggregate classification.
Comment: DNA sequence analysis of the PIK3CD gene demonstrated a sequence change, c.454G>A, in exon 5 that results in an amino acid change, p.Ala152Thr. This sequence change does not appear to have been previously described in individuals with PIK3CD-related disorders. This sequence change has been described in the gnomAD database with a frequency of 0.04% in the African subpopulation (dbSNP rs138463758). The p.Ala152Thr change affects a moderately conserved amino acid residue located in a domain of the PIK3CD protein that is not known to be functional. The p.Ala152Thr substitution appears to be benign using several in-silico pathogenicity prediction tools (SIFT, PolyPhen2, Align GVGD, REVEL). Due to insufficient evidences and the lack of functional studies, the clinical significance of the p.Ala152Thr change remains unknown at this time

NM_005026.5(PIK3CD):c.454G>A (p.Ala152Thr)

Gene: PIK3CD (phosphatidylinositol-4,5-bisphosphate 3-kinase catalytic subunit delta; plus strand). Cytogenetic location: 1p36.22.
Variant type: single nucleotide variant.
Coding change: c.454G>A on transcript NM_005026.5 (MANE Select); coding-DNA position 454, G replaced by A.
Protein change: p.Ala152Thr; replaces alanine 152 with threonine.
Molecular consequence: missense variant.
Genome position (GRCh38, 1-based): chr1:9,715,932, G>A. VCF-style: chr1-9715932-G-A. GRCh37 (hg19) VCF-style: chr1-9775990-G-A.
Other names: NM_005026.5(PIK3CD):c.454G>A; p.Ala152Thr; c.454G>A, p.Ala152Thr (NM_001350234.2, NM_001350235.1); c.454G>A (NM_005026.4); short protein forms A152T.
Identifiers: ClinVar variation 2414651 (VCV002414651.11), dbSNP rs138463758, ClinGen allele CA576880.